The following is an entry in ClinVar:

NM_001134407.3(GRIN2A):c.2537G>A (p.Arg846His)

Gene: GRIN2A (glutamate ionotropic receptor NMDA type subunit 2A; minus strand). Cytogenetic location: 16p13.2.
Variant type: single nucleotide variant.
Coding change: c.2537G>A on transcript NM_001134407.3 (MANE Select); coding-DNA position 2537, G replaced by A.
Protein change: p.Arg846His; replaces arginine 846 with histidine.
Molecular consequence: missense variant.
Genome position (GRCh38, 1-based): chr16:9,768,909, C>T on the plus strand (G>A on the coding strand, the complement: GRIN2A is on the minus strand). VCF-style: chr16-9768909-C-T. GRCh37 (hg19) VCF-style: chr16-9862766-C-T.
Other names: c.2537G>A, p.Arg846His (NM_000833.5, NM_001134408.2); short protein forms R846H.
Identifiers: ClinVar variation 2182518 (VCV002182518.28), dbSNP rs746978701, ClinGen allele CA7896492.

ClinVar aggregate classification (germline): Conflicting classifications of pathogenicity. Review status: criteria provided, conflicting classifications (1 of 4 stars). 2 submissions from 2 submitters: Uncertain significance (1); Likely benign (1). Last evaluated 2025-06-09.

Conditions:
Landau-Kleffner syndrome (FESD). Also called: EPILEPSY, FOCAL, WITH SPEECH DISORDER AND WITH OR WITHOUT MENTAL RETARDATION; APHASIA, ACQUIRED, WITH EPILEPSY. Identifiers: Orphanet 1945, Orphanet 725, Orphanet 98818, MedGen C0282512, MONDO:0009509, OMIM 245570.

Allele frequency attached by ClinVar (database versions not stated): ExAC 0.00001.
gnomAD v4.1: 6 of 1,614,172 alleles (0.00037%); highest among the groups gnomAD compares: Non-Finnish European, 0.00042%; no homozygotes.

Submissions (2):

Labcorp Genetics (formerly Invitae), Labcorp
Classification: Likely benign for Landau-Kleffner syndrome. Last evaluated: 2025-06-09. Review status: criteria provided, single submitter. Criteria: Invitae Variant Classification Sherloc (09022015). Collection method: clinical testing. Allele origin: germline.

CeGaT Center for Human Genetics Tuebingen
Classification: Uncertain significance. Last evaluated: 2022-08-01. Review status: criteria provided, single submitter. Criteria: CeGaT Center For Human Genetics Tuebingen Variant Classification Criteria Version 2. Collection method: clinical testing. Allele origin: germline. Affected: yes. Observed: 1 variant allele.
Comment: GRIN2A: PM2